The following is an entry in ClinVar:

NM_033360.4(KRAS):c.291-5C>G

Gene: KRAS (KRAS proto-oncogene, GTPase; minus strand). Cytogenetic location: 12p12.1.
Variant type: single nucleotide variant.
Coding change: c.291-5C>G on transcript NM_033360.4; 5 bases into the intron before coding-DNA position 291, C replaced by G.
Molecular consequence: intron variant.
Genome position (GRCh38, 1-based): chr12:25,225,778, G>C on the plus strand (C>G on the coding strand, the complement: KRAS is on the minus strand). VCF-style: chr12-25225778-G-C. GRCh37 (hg19) VCF-style: chr12-25378712-G-C.
Other names: c.291-5C>G (NM_001369787.1, NM_001369786.1, NM_004985.5 and 2 more transcripts).
Identifiers: ClinVar variation 632870 (VCV000632870.1), dbSNP rs1565884303, ClinGen allele CA913190865.

ClinVar aggregate classification (germline): Uncertain significance (1 of 4 stars; one submission).

Submission:

Women's Health and Genetics/Laboratory Corporation of America, LabCorp
Classification: Uncertain significance. Last evaluated: 2018-01-10. Review status: criteria provided, single submitter. Criteria: LabCorp Variant Classification Summary - May 2015. Collection method: clinical testing. Allele origin: germline.
Comment: Variant Summary: Variant summary: c.291-5C>G in KRAS gene is an intronic change that involves an alteration of a non-conserved nucleotide. 5/5 programs in Alamut indicate this variant is to weaken a canonical acceptor site, however no functional studies supporting these predictions were published at the time of evaluation. The variant is absent from the control population datasets of ExAC and gnomAD (~30088 chrs tested). The variant of interest has not, to our knowledge, been cited by published reports or reputable databases/clinical laboratories. Taking together the variant was classified as VUS until more data become available.